The following is an entry in ClinVar:

NM_000188.3(HK1):c.2035+3G>A

Gene: HK1 (hexokinase 1; plus strand). Cytogenetic location: 10q22.1.
Variant type: single nucleotide variant.
Coding change: c.2035+3G>A on transcript NM_000188.3 (MANE Select); 3 bases into the intron after coding-DNA position 2035, G replaced by A.
Molecular consequence: intron variant.
Genome position (GRCh38, 1-based): chr10:69,389,299, G>A. VCF-style: chr10-69389299-G-A. GRCh37 (hg19) VCF-style: chr10-71149055-G-A.
Other names: c.1999+3G>A (NM_033500.2); c.2140+3G>A (NM_001322365.2); c.2047+3G>A (NM_033498.3, NM_033497.3, NM_001322364.2 and 1 more transcripts); c.2032+3G>A (NM_033496.3); c.1951+3G>A (NM_001322366.1); c.1939+3G>A (NM_001322367.1).
Identifiers: ClinVar variation 1914460 (VCV001914460.5), dbSNP rs779652967, ClinGen allele CA5532752.
Genomic context (GRCh38, chr10:69,389,299, plus strand): 5'-GGCACCATGATGACCTGTGCTTATGAGGAGCCCACCTGTGAGGTTGGACTCATTGTTGGT[G>A]AGTGTCCTGGAAGGTCTCTTTCCCTGCAGAAGGGAAGGCTGGGGTTTCCCCGTTTTGTGG-3'

ClinVar aggregate classification (germline): Uncertain significance (1 of 4 stars; one submission).

Allele frequency attached by ClinVar (database versions not stated): ExAC 0.00001; TOPMed 0.00001; gnomAD exomes 0.00002.
gnomAD v4.1: 26 of 1,599,748 alleles (0.0016%); highest among the groups gnomAD compares: Non-Finnish European, 0.002%; no homozygotes.

Submission:

Labcorp Genetics (formerly Invitae), Labcorp
Classification: Uncertain significance. Last evaluated: 2025-01-23. Review status: criteria provided, single submitter. Criteria: Invitae Variant Classification Sherloc (09022015). Collection method: clinical testing. Allele origin: germline.
Comment: This sequence change falls in intron 14 of the HK1 gene. It does not directly change the encoded amino acid sequence of the HK1 protein. It affects a nucleotide within the consensus splice site. This variant is present in population databases (rs779652967, gnomAD 0.002%). This variant has not been reported in the literature in individuals affected with HK1-related conditions. ClinVar contains an entry for this variant (Variation ID: 1914460). Variants that disrupt the consensus splice site are a relatively common cause of aberrant splicing (PMID: 17576681, 9536098). Algorithms developed to predict the effect of sequence changes on RNA splicing suggest that this variant is not likely to affect RNA splicing. In summary, the available evidence is currently insufficient to determine the role of this variant in disease. Therefore, it has been classified as a Variant of Uncertain Significance.

Literature cited by the submitters: PubMed 17576681; PubMed 9536098.